The following is an entry in ClinVar:

NM_002878.4(RAD51D):c.397C>A (p.Leu133Ile)

Genes: RAD51D (RAD51 paralog D; minus strand), RAD51L3-RFFL (RAD51L3-RFFL readthrough; minus strand). Cytogenetic location: 17q12.
Variant type: single nucleotide variant.
Coding change: c.397C>A on transcript NM_002878.4 (MANE Select); coding-DNA position 397, C replaced by A.
Protein change: p.Leu133Ile; replaces leucine 133 with isoleucine.
Molecular consequence: missense variant. On other transcripts: non-coding transcript variant (1), intron variant (1).
Genome position (GRCh38, 1-based): chr17:35,107,071, G>T on the plus strand (C>A on the coding strand, the complement: RAD51D is on the minus strand). VCF-style: chr17-35107071-G-T. GRCh37 (hg19) VCF-style: chr17-33434090-G-T.
Other names: c.457C>A, p.Leu153Ile (NM_001142571.2); c.145-590C>A (NM_133629.3); short protein forms L133I, L153I.
Identifiers: ClinVar variation 482204 (VCV000482204.5), dbSNP rs1555568338, ClinGen allele CA399089306.
Genomic context (GRCh38, chr17:35,107,071, plus strand): 5'-TAGCCTGAAGCAGCTGGAGGAGGCGGGAAGCTGTCAGCCCTCCATTGGAATCTACATATA[G>T]GACGTTTTGCTGCAGGCCATGGGCCACATTTGCTGCCATACAGAGACATACCTGGGGGTG-3'
Protein context (NP_002869.3, residues 123-143): NVAHGLQQNV[Leu133Ile]YVDSNGGLTA

ClinVar aggregate classification (germline): Uncertain significance (1 of 4 stars; one submission).

Conditions:
Hereditary cancer-predisposing syndrome. Also called: Neoplastic Syndromes, Hereditary; Tumor predisposition; Hereditary Cancer Syndrome; Hereditary neoplastic syndrome. Identifiers: Orphanet 140162, MedGen C0027672, MeSH D009386, MONDO:0015356.

Submission:

Ambry Genetics
Classification: Uncertain significance for Hereditary cancer-predisposing syndrome. Last evaluated: 2017-05-18. Review status: criteria provided, single submitter. Criteria: Ambry Variant Classification Scheme 2023. Collection method: clinical testing. Allele origin: germline.
Comment: The p.L133I variant (also known as c.397C>A), located in coding exon 5 of the RAD51D gene, results from a C to A substitution at nucleotide position 397. The leucine at codon 133 is replaced by isoleucine, an amino acid with highly similar properties. This amino acid position is well conserved in available vertebrate species. In addition, the in silico prediction for this alteration is inconclusive. Since supporting evidence is limited at this time, the clinical significance of this alteration remains unclear.